The following is an entry in ClinVar:

NM_006218.4(PIK3CA):c.2077C>T (p.Arg693Cys)

Gene: PIK3CA (phosphatidylinositol-4,5-bisphosphate 3-kinase catalytic subunit alpha; plus strand). Cytogenetic location: 3q26.32.
Variant type: single nucleotide variant.
Coding change: c.2077C>T on transcript NM_006218.4 (MANE Select); coding-DNA position 2077, C replaced by T.
Protein change: p.Arg693Cys; replaces arginine 693 with cysteine.
Molecular consequence: missense variant.
Genome position (GRCh38, 1-based): chr3:179,221,047, C>T. VCF-style: chr3-179221047-C-T. GRCh37 (hg19) VCF-style: chr3-178938835-C-T.
Other names: c.2077C>T (LRG_310t1); short protein forms R693C.
Identifiers: ClinVar variation 403913 (VCV000403913.9), dbSNP rs1060500029, ClinGen allele CA16611299.

ClinVar aggregate classification (germline): Uncertain significance (1 of 4 stars; one submission).

Conditions:
Cowden syndrome (CS). Also called: Cowden's disease; Cowden's syndrome; Cowden disease. Identifiers: Orphanet 201, MedGen C0018553, MONDO:0016063. Disease mechanism: gain of function.

Allele frequency attached by ClinVar (database versions not stated): gnomAD exomes below 0.00001; gnomAD 0.00001.
gnomAD v4.1: 3 of 1,612,480 alleles (0.00019%); highest among the groups gnomAD compares: South Asian, 0.0011%; no homozygotes.

Submission:

Labcorp Genetics (formerly Invitae), Labcorp
Classification: Uncertain significance for Cowden syndrome. Last evaluated: 2024-10-06. Review status: criteria provided, single submitter. Criteria: Invitae Variant Classification Sherloc (09022015). Collection method: clinical testing. Allele origin: germline.
Comment: This sequence change replaces arginine, which is basic and polar, with cysteine, which is neutral and slightly polar, at codon 693 of the PIK3CA protein (p.Arg693Cys). This variant is not present in population databases (gnomAD no frequency). This variant has not been reported in the literature in individuals affected with PIK3CA-related conditions. ClinVar contains an entry for this variant (Variation ID: 403913). Invitae Evidence Modeling of protein sequence and biophysical properties (such as structural, functional, and spatial information, amino acid conservation, physicochemical variation, residue mobility, and thermodynamic stability) indicates that this missense variant is expected to disrupt PIK3CA protein function with a positive predictive value of 95%. In summary, the available evidence is currently insufficient to determine the role of this variant in disease. Therefore, it has been classified as a Variant of Uncertain Significance.